The following is an entry in ClinVar:

ClinVar aggregate classification (germline): Uncertain significance (1 of 4 stars; one submission).

Submission:

Labcorp Genetics (formerly Invitae), Labcorp
Classification: Uncertain significance. Last evaluated: 2021-12-02. Review status: criteria provided, single submitter. Criteria: Invitae Variant Classification Sherloc (09022015). Collection method: clinical testing. Allele origin: germline.
Comment: In summary, the available evidence is currently insufficient to determine the role of this variant in disease. Therefore, it has been classified as a Variant of Uncertain Significance. Advanced modeling of protein sequence and biophysical properties (such as structural, functional, and spatial information, amino acid conservation, physicochemical variation, residue mobility, and thermodynamic stability) performed at Invitae indicates that this missense variant is not expected to disrupt PNPT1 protein function. This variant has not been reported in the literature in individuals affected with PNPT1-related conditions. This variant is not present in population databases (gnomAD no frequency). This sequence change replaces methionine, which is neutral and non-polar, with arginine, which is basic and polar, at codon 292 of the PNPT1 protein (p.Met292Arg).

NM_033109.5(PNPT1):c.875T>G (p.Met292Arg)

Gene: PNPT1 (polyribonucleotide nucleotidyltransferase 1; minus strand). Cytogenetic location: 2p16.1.
Variant type: single nucleotide variant.
Coding change: c.875T>G on transcript NM_033109.5 (MANE Select); coding-DNA position 875, T replaced by G.
Protein change: p.Met292Arg; replaces methionine 292 with arginine.
Molecular consequence: missense variant.
Genome position (GRCh38, 1-based): chr2:55,672,038, A>C on the plus strand (T>G on the coding strand, the complement: PNPT1 is on the minus strand). VCF-style: chr2-55672038-A-C. GRCh37 (hg19) VCF-style: chr2-55899173-A-C.
Other names: short protein forms M292R.
Identifiers: ClinVar variation 1434145 (VCV001434145.5), dbSNP rs928642617, ClinGen allele CA346932405.